The following is an entry in ClinVar:

ClinVar aggregate classification (germline): Uncertain significance. Review status: criteria provided, multiple submitters, no conflicts (2 of 4 stars). 2 submissions from 2 submitters: Uncertain significance (2). Last evaluated 2025-04-14.

Conditions:
Bardet-Biedl syndrome (BBS). Identifiers: Orphanet 110, MedGen C0752166, MONDO:0015229.
Inborn genetic diseases. Identifiers: MedGen C0950123, MeSH D030342.

Allele frequency attached by ClinVar (database versions not stated): TOPMed below 0.00001; ExAC 0.00001; gnomAD 0.00001.
gnomAD v4.1: 1 of 1,614,086 alleles (0.000062%); highest among the groups gnomAD compares: African/African-American, 0.0013%; no homozygotes.

Submissions (2):

Labcorp Genetics (formerly Invitae), Labcorp
Classification: Uncertain significance for Bardet-Biedl syndrome. Last evaluated: 2025-04-14. Review status: criteria provided, single submitter. Criteria: Invitae Variant Classification Sherloc (09022015). Collection method: clinical testing. Allele origin: germline.
Comment: This sequence change replaces histidine, which is basic and polar, with aspartic acid, which is acidic and polar, at codon 622 of the BBS12 protein (p.His622Asp). This variant is present in population databases (rs764497344, gnomAD 0.007%). This variant has not been reported in the literature in individuals affected with BBS12-related conditions. ClinVar contains an entry for this variant (Variation ID: 1945140). Invitae Evidence Modeling of protein sequence and biophysical properties (such as structural, functional, and spatial information, amino acid conservation, physicochemical variation, residue mobility, and thermodynamic stability) indicates that this missense variant is expected to disrupt BBS12 protein function with a positive predictive value of 80%. In summary, the available evidence is currently insufficient to determine the role of this variant in disease. Therefore, it has been classified as a Variant of Uncertain Significance.

Ambry Genetics
Classification: Uncertain significance for Inborn genetic diseases. Last evaluated: 2024-10-01. Review status: criteria provided, single submitter. Criteria: Ambry Variant Classification Scheme 2023. Collection method: clinical testing. Allele origin: germline.

NM_152618.3(BBS12):c.1864C>G (p.His622Asp)

Gene: BBS12 (Bardet-Biedl syndrome 12; plus strand). Cytogenetic location: 4q27.
Variant type: single nucleotide variant.
Coding change: c.1864C>G on transcript NM_152618.3 (MANE Select); coding-DNA position 1864, C replaced by G.
Protein change: p.His622Asp; replaces histidine 622 with aspartic acid.
Molecular consequence: missense variant.
Genome position (GRCh38, 1-based): chr4:122,743,756, C>G. VCF-style: chr4-122743756-C-G. GRCh37 (hg19) VCF-style: chr4-123664911-C-G.
Other names: c.1864C>G (NM_152618.2); c.1864C>G, p.His622Asp (NM_001178007.2); short protein forms H622D.
Identifiers: ClinVar variation 1945140 (VCV001945140.6), dbSNP rs764497344, ClinGen allele CA3069525.